The following is an entry in ClinVar:

ClinVar aggregate classification (germline): Pathogenic. Review status: no assertion criteria provided (0 of 4 stars). 3 submissions from 3 submitters: Pathogenic (2). 1 of the submissions does not count toward it. Last evaluated 2012-03-09.

Conditions:
Olmsted syndrome 1. Identifiers: Orphanet 659, MedGen C5542829, MONDO:0100296, OMIM 614594.

Submissions (3):

OMIM
Classification: Pathogenic for OLMSTED SYNDROME 1. Last evaluated: 2012-03-09. Review status: no assertion criteria provided. Collection method: literature only. Allele origin: germline.

Lab of Dermatology, Peking University First Hospital
Classification: Pathogenic. Review status: no assertion criteria provided. Collection method: not provided. Allele origin: germline.
Comment: Olmsted Syndrome
ClinVar note: Converted during submission from pathogenic to Pathogenic.

UniProtKB/Swiss-Prot
No classification provided. Review status: no classification provided. Collection method: not provided. Allele origin: not provided. Not counted in ClinVar's aggregate classification.

Literature cited by the submitters: PubMed 22405088 (cited by OMIM).

NM_145068.4(TRPV3):c.2074T>G (p.Trp692Gly)

Gene: TRPV3 (transient receptor potential cation channel subfamily V member 3; minus strand). Cytogenetic location: 17p13.2.
Variant type: single nucleotide variant.
Coding change: c.2074T>G on transcript NM_145068.4 (MANE Select); coding-DNA position 2074, T replaced by G.
Protein change: p.Trp692Gly; replaces tryptophan 692 with glycine.
Molecular consequence: missense variant.
Genome position (GRCh38, 1-based): chr17:3,518,587, A>C on the plus strand (T>G on the coding strand, the complement: TRPV3 is on the minus strand). VCF-style: chr17-3518587-A-C. GRCh37 (hg19) VCF-style: chr17-3421881-A-C.
Other names: c.2074T>G, p.Trp692Gly (NM_001258205.2); short protein forms W692G.
Identifiers: ClinVar variation 30638 (VCV000030638.3), dbSNP rs199473705, ClinGen allele CA129385.
Genomic context (GRCh38, chr17:3,518,587, plus strand): 5'-AACTGAGTCCCGTGGAGGCCCCCACGCTGGGGTCTCCACCTAGGCTCACCTGCAGGCGCC[A>C]GATGCGTTCGCTCTCCTTGGAGACGTTCTCCACAGTCTCGCCCATCAGAGCAATGAGCAT-3'
Protein context (NP_659505.1, residues 682-702): ENVSKESERI[Trp692Gly]RLQRARTILE